The following is an entry in ClinVar:

ClinVar aggregate classification (germline): Uncertain significance (1 of 4 stars; one submission).

gnomAD v4.1: 1 of 1,608,816 alleles (0.000062%); highest among the groups gnomAD compares: Non-Finnish European, 0.000085%; no homozygotes.

Submission:

Labcorp Genetics (formerly Invitae), Labcorp
Classification: Uncertain significance. Last evaluated: 2024-07-10. Review status: criteria provided, single submitter. Criteria: Invitae Variant Classification Sherloc (09022015). Collection method: clinical testing. Allele origin: germline.
Comment: This sequence change falls in intron 7 of the KANK1 gene. It does not directly change the encoded amino acid sequence of the KANK1 protein. It affects a nucleotide within the consensus splice site. This variant is not present in population databases (gnomAD no frequency). This variant has not been reported in the literature in individuals affected with KANK1-related conditions. Variants that disrupt the consensus splice site are a relatively common cause of aberrant splicing (PMID: 17576681, 9536098). Algorithms developed to predict the effect of sequence changes on RNA splicing suggest that this variant is not likely to affect RNA splicing. In summary, the available evidence is currently insufficient to determine the role of this variant in disease. Therefore, it has been classified as a Variant of Uncertain Significance.

Literature cited by the submitters: PubMed 17576681; PubMed 9536098.

NM_015158.5(KANK1):c.3333+3G>A

Gene: KANK1 (KN motif and ankyrin repeat domains 1; plus strand). Cytogenetic location: 9p24.3.
Variant type: single nucleotide variant.
Coding change: c.3333+3G>A on transcript NM_015158.5 (MANE Select); 3 bases into the intron after coding-DNA position 3333, G replaced by A.
Molecular consequence: intron variant.
Genome position (GRCh38, 1-based): chr9:734,838, G>A. VCF-style: chr9-734838-G-A. GRCh37 (hg19) VCF-style: chr9-734838-G-A.
Other names: c.3333+3G>A (NM_001256877.3, NM_001256876.3, NM_001354334.2); c.2859+3G>A (NM_001354333.2, NM_001354335.2, NM_001354337.2 and 2 more transcripts); c.3093+3G>A (NM_001354331.2); c.3279+3G>A (NM_001354332.2); c.2565+3G>A (NM_001354336.2); c.2619+3G>A (NM_001354339.2, NM_001354343.2, NM_001354342.2); c.2805+3G>A (NM_001354338.2, NM_001354340.2, NM_001354344.2).
Identifiers: ClinVar variation 2707683 (VCV002707683.3), dbSNP rs760027207, ClinGen allele CA2689221570.
Genomic context (GRCh38, chr9:734,838, plus strand): 5'-ATGCAACTTACTGAAAAATACTATAAATGACCCCAAAGCTTTGACCAGCAAAGATATGGT[G>A]AGTCTGACCTGCAAACACCATCCCCAGTGTGTACAAAGTGCATGAGTGGGTTCATTGTCA-3'